The following is an entry in ClinVar:

ClinVar aggregate classification (germline): Benign. Review status: criteria provided, multiple submitters, no conflicts (2 of 4 stars). 3 submissions from 3 submitters: Benign (3). Last evaluated 2024-01-24.

Allele frequency attached by ClinVar (database versions not stated): gnomAD exomes 0.07494; 1000 Genomes Project 0.11961.

Submissions (3):

Unidad de Genómica Garrahan, Hospital de Pediatría Garrahan
Classification: Benign. Last evaluated: 2024-01-24. Review status: criteria provided, single submitter. Criteria: ACMG Guidelines, 2015. Collection method: clinical testing. Allele origin: germline. Affected: no. Observed: 20 variant alleles.
Comment: This variant is classified as Benign based on local population frequency. This variant was detected in 21% of patients studied by a panel of primary immunodeficiencies. Number of patients: 20. Only high quality variants are reported.

GeneDx
Classification: Benign. Last evaluated: 2019-08-10. Review status: criteria provided, single submitter. Criteria: GeneDx Variant Classification Process June 2021. Collection method: clinical testing. Allele origin: germline. Affected: yes.

Breakthrough Genomics
Classification: Benign. Review status: criteria provided, single submitter. Criteria: ACMG Guidelines, 2015. Collection method: not provided. Allele origin: germline. Inheritance: Autosomal recessive inheritance. Affected: yes.

NM_001369369.1(FOXN1):c.1135+62A>G

Gene: FOXN1 (forkhead box N1; plus strand). Cytogenetic location: 17q11.2.
Variant type: single nucleotide variant.
Coding change: c.1135+62A>G on transcript NM_001369369.1 (MANE Select); 62 bases into the intron after coding-DNA position 1135, A replaced by G.
Molecular consequence: intron variant.
Genome position (GRCh38, 1-based): chr17:28,534,600, A>G. VCF-style: chr17-28534600-A-G. GRCh37 (hg19) VCF-style: chr17-26861618-A-G.
Other names: c.1135+62A>G (NM_003593.3).
Identifiers: ClinVar variation 1240559 (VCV001240559.5), dbSNP rs9889455, ClinGen allele CA289120108.
Genomic context (GRCh38, chr17:28,534,600, plus strand): 5'-TGAGGCCGGCCGGGCCACGCAAGGAAGGGCCCAGGGTACTCATGAGCCAAAAAAAAAAAA[A>G]AGAGAGAATCAGAGAATGAGGCAAGGCCCCGAGTAAGGGTTCCAGTCTGGGGAAGACTGT-3'